The following is an entry in ClinVar:

NM_032638.5(GATA2):c.341A>G (p.Asn114Ser)

Gene: GATA2 (GATA binding protein 2; minus strand). Cytogenetic location: 3q21.3.
Variant type: single nucleotide variant.
Coding change: c.341A>G on transcript NM_032638.5 (MANE Select); coding-DNA position 341, A replaced by G.
Protein change: p.Asn114Ser; replaces asparagine 114 with serine.
Molecular consequence: missense variant.
Genome position (GRCh38, 1-based): chr3:128,486,257, T>C on the plus strand (A>G on the coding strand, the complement: GATA2 is on the minus strand). VCF-style: chr3-128486257-T-C. GRCh37 (hg19) VCF-style: chr3-128205100-T-C.
Other names: c.341A>G, p.Asn114Ser (NM_001145661.2, NM_001145662.1); short protein forms N114S.
Identifiers: ClinVar variation 965451 (VCV000965451.10), dbSNP rs2068697781, ClinGen allele CA354407238.
Genomic context (GRCh38, chr3:128,486,257, plus strand): 5'-GGGCCTCCAGCAGCTGAGGGGTGCAGTGGCGTCTTGGAGAAGGGGCTCACGGTCCAGGGG[T>C]TGTGGTGGTGGGCCGCAGCGGCAGAGAGGGCTGCTTTGCCCCCGTCCAGCCAGGGCAAAC-3'
Protein context (NP_116027.2, residues 104-124): ALSAAAAHHH[Asn114Ser]PWTVSPFSKT

ClinVar aggregate classification (germline): Uncertain significance. Review status: criteria provided, multiple submitters, no conflicts (2 of 4 stars). 2 submissions from 2 submitters: Uncertain significance (2). Last evaluated 2023-12-08.

Conditions:
Deafness-lymphedema-leukemia syndrome. Also called: Emberger syndrome; Lymphedema, primary, with myelodysplasia. Identifiers: Orphanet 3226, MedGen C3279664, MONDO:0013540, OMIM 614038.
Monocytopenia with susceptibility to infections. Also called: MONOCYTOPENIA AND MYCOBACTERIAL INFECTION SYNDROME; MONOCYTOPENIA WITH SUSCEPTIBILITY TO MYCOBACTERIAL, FUNGAL, AND PAPILLOMAVIRUS INFECTIONS AND MYELODYSPLASIA; COMBINED IMMUNODEFICIENCY WITH SUSCEPTIBILITY TO MYCOBACTERIAL, VIRAL, AND FUNGAL INFECTIONS; IMMUNODEFICIENCY 21; GATA2 DEFICIENCY; Dendritic cell, monocyte, B lymphocyte, and natural killer lymphocyte deficiency. Identifiers: Orphanet 228423, MedGen C3280030, MONDO:0013607, OMIM 614172.

Submissions (2):

GeneDx
Classification: Uncertain significance. Last evaluated: 2023-12-08. Review status: criteria provided, single submitter. Criteria: GeneDx Variant Classification Process June 2021. Collection method: clinical testing. Allele origin: germline. Affected: yes.
Comment: Not observed at significant frequency in large population cohorts (gnomAD); In silico analysis supports that this missense variant does not alter protein structure/function; Has not been previously published as pathogenic or benign to our knowledge

Labcorp Genetics (formerly Invitae), Labcorp
Classification: Uncertain significance for Monocytopenia with susceptibility to infections; Deafness-lymphedema-leukemia syndrome. Last evaluated: 2019-10-27. Review status: criteria provided, single submitter. Criteria: Invitae Variant Classification Sherloc (09022015). Collection method: clinical testing. Allele origin: germline.
Comment: This sequence change replaces asparagine with serine at codon 114 of the GATA2 protein (p.Asn114Ser). The asparagine residue is weakly conserved and there is a small physicochemical difference between asparagine and serine. This variant is not present in population databases (ExAC no frequency). This variant has not been reported in the literature in individuals with GATA2-related conditions. Algorithms developed to predict the effect of missense changes on protein structure and function output the following: SIFT: "Tolerated"; PolyPhen-2: "Benign"; Align-GVGD: "Class C0". The serine amino acid residue is found in multiple mammalian species, suggesting that this missense change does not adversely affect protein function. These predictions have not been confirmed by published functional studies and their clinical significance is uncertain. Algorithms developed to predict the effect of sequence changes on RNA splicing suggest that this variant may create or strengthen a splice site, but this prediction has not been confirmed by published transcriptional studies. In summary, the available evidence is currently insufficient to determine the role of this variant in disease. Therefore, it has been classified as a Variant of Uncertain Significance.